The following is an entry in ClinVar:

ClinVar aggregate classification (germline): Pathogenic. Review status: reviewed by expert panel (3 of 4 stars). 2 submissions from 2 submitters: Pathogenic (1). 1 of the submissions does not count toward it. Last evaluated 2016-09-08.

Conditions:
Breast-ovarian cancer, familial, susceptibility to, 2 (BROVCA2). Also called: BRCA2 Hereditary Breast and Ovarian Cancer. Identifiers: Orphanet 145, MedGen C2675520, MONDO:0012933, OMIM 612555. Disease mechanism: loss of function.

Submissions (2):

Evidence-based Network for the Interpretation of Germline Mutant Alleles (ENIGMA)
Classification: Pathogenic for Breast-ovarian cancer, familial, susceptibility to, 2. Last evaluated: 2016-09-08. Review status: reviewed by expert panel. Criteria: ENIGMA BRCA1/2 Classification Criteria (2015). Collection method: curation. Allele origin: germline.
Comment: Variant allele predicted to encode a truncated non-functional protein.

Breast Cancer Information Core (BIC) (BRCA2)
Classification: Pathogenic for Breast-ovarian cancer, familial 2. Last evaluated: 2006-07-19. Review status: no assertion criteria provided. Collection method: clinical testing. Allele origin: unknown. Affected: yes. Observed: 1 variant allele. Not counted in ClinVar's aggregate classification.

NM_000059.4(BRCA2):c.4006_4007insA (p.Phe1336fs)

Gene: BRCA2 (BRCA2 DNA repair associated; plus strand). Cytogenetic location: 13q13.1.
Variant type: Insertion.
Coding change: c.4006_4007insA on transcript NM_000059.4 (MANE Select); coding-DNA positions 4006 to 4007, A inserted.
Protein change: p.Phe1336fs; shifts the reading frame from phenylalanine 1336.
Molecular consequence: frameshift variant.
Genome position: GRCh38 VCF-style: chr13-32338361-T-TA. GRCh37 (hg19) VCF-style: chr13-32912498-T-TA.
Other names: 4234insA; short protein forms F1336fs.
Identifiers: ClinVar variation 126031 (VCV000126031.4), dbSNP rs80359419, ClinGen allele CA019385.